The following is an entry in ClinVar:

NM_001244008.2(KIF1A):c.1783A>G (p.Met595Val)

Gene: KIF1A (kinesin family member 1A; minus strand). Cytogenetic location: 2q37.3.
Variant type: single nucleotide variant.
Coding change: c.1783A>G on transcript NM_001244008.2 (MANE Select); coding-DNA position 1783, A replaced by G.
Protein change: p.Met595Val; replaces methionine 595 with valine.
Molecular consequence: missense variant.
Genome position (GRCh38, 1-based): chr2:240,763,332, T>C on the plus strand (A>G on the coding strand, the complement: KIF1A is on the minus strand). VCF-style: chr2-240763332-T-C. GRCh37 (hg19) VCF-style: chr2-241702749-T-C.
Other names: c.1783A>G, p.Met595Val (NM_001320705.2, NM_001330289.2, NM_001379638.1); c.1858A>G, p.Met620Val (NM_001330290.2, NM_001379631.1, NM_001379634.1 and 2 more transcripts); c.1756A>G, p.Met586Val (NM_001379632.1, NM_001379633.1, NM_001379636.1 and 10 more transcripts); c.1831A>G, p.Met611Val (NM_001379637.1, NM_001379648.1); short protein forms M586V, M595V, M611V, M620V.
Identifiers: ClinVar variation 1307008 (VCV001307008.5), dbSNP rs2125906210, ClinGen allele CA351327295.
Genomic context (GRCh38, chr2:240,763,332, plus strand): 5'-GCTCACGCTCCTGCCGGGCCTGCTCGGGGTGGTTGAACCGGAACACATGGCTCTTACCCA[T>C]GATGATGCGGTTTCCTGGGGAACAGAGGGACAGGTGGCCTTGAGGGATGGGGATCTTCAG-3'
Protein context (NP_001230937.1, residues 585-605): SILRSGNRII[Met595Val]GKSHVFRFNH

ClinVar aggregate classification (germline): Uncertain significance. Review status: criteria provided, multiple submitters, no conflicts (2 of 4 stars). 2 submissions from 2 submitters: Uncertain significance (2). Last evaluated 2023-07-16.

Conditions:
Neuropathy, hereditary sensory, type 2C. Also called: KIF1A-Related HSAN2 (HSAN2C); Hereditary sensory and autonomic neuropathy type IIC. Identifiers: Orphanet 970, MedGen C3280168, MONDO:0013634, OMIM 614213.
Intellectual disability, autosomal dominant 9 (NESCAVS). Also called: KIF1A-Related Neurodevelopmental Disorder; NESCAV SYNDROME. Identifiers: Orphanet 662367, MedGen C5393830, MONDO:0013656, OMIM 614255.
Hereditary spastic paraplegia 30. Identifiers: Orphanet 101010, MedGen C5235139, MONDO:0012476.

Submissions (2):

Labcorp Genetics (formerly Invitae), Labcorp
Classification: Uncertain significance for Hereditary spastic paraplegia 30; Neuropathy, hereditary sensory, type 2C; Intellectual disability, autosomal dominant 9. Last evaluated: 2023-07-16. Review status: criteria provided, single submitter. Criteria: Invitae Variant Classification Sherloc (09022015). Collection method: clinical testing. Allele origin: germline.
Comment: In summary, the available evidence is currently insufficient to determine the role of this variant in disease. Therefore, it has been classified as a Variant of Uncertain Significance. Advanced modeling of protein sequence and biophysical properties (such as structural, functional, and spatial information, amino acid conservation, physicochemical variation, residue mobility, and thermodynamic stability) has been performed at Invitae for this missense variant, however the output from this modeling did not meet the statistical confidence thresholds required to predict the impact of this variant on KIF1A protein function. ClinVar contains an entry for this variant (Variation ID: 1307008). This variant has not been reported in the literature in individuals affected with KIF1A-related conditions. This variant is not present in population databases (gnomAD no frequency). This sequence change replaces methionine, which is neutral and non-polar, with valine, which is neutral and non-polar, at codon 586 of the KIF1A protein (p.Met586Val).

GeneDx
Classification: Uncertain significance. Last evaluated: 2019-07-08. Review status: criteria provided, single submitter. Criteria: GeneDx Variant Classification Process June 2021. Collection method: clinical testing. Allele origin: germline. Affected: yes.
Comment: Not observed in large population cohorts (Lek et al., 2016); In silico analysis, which includes protein predictors and evolutionary conservation, supports a deleterious effect; Has not been previously published as pathogenic or benign to our knowledge